The following is an entry in ClinVar:

ClinVar aggregate classification (germline): Conflicting classifications of pathogenicity. Review status: criteria provided, conflicting classifications (1 of 4 stars). 2 submissions from 2 submitters: Uncertain significance (1); Likely benign (1). Last evaluated 2025-10-02.

Conditions:
Inborn genetic diseases. Identifiers: MedGen C0950123, MeSH D030342.

Allele frequency attached by ClinVar (database versions not stated): 1000 Genomes Project 0.00020; 1000 Genomes Project 30x 0.00031; TOPMed 0.00041; ESP Exome Variant Server 0.00047; gnomAD 0.00048 and 0.00051; gnomAD exomes 0.00051 and 0.00059; ExAC 0.00078.
gnomAD v4.1: 808 of 1,612,292 alleles (0.05%); highest among the groups gnomAD compares: Non-Finnish European, 0.061%; no homozygotes.

Submissions (2):

Labcorp Genetics (formerly Invitae), Labcorp
Classification: Uncertain significance. Last evaluated: 2025-10-02. Review status: criteria provided, single submitter. Criteria: Invitae Variant Classification Sherloc (09022015). Collection method: clinical testing. Allele origin: germline.
Comment: This sequence change replaces glycine, which is neutral and non-polar, with serine, which is neutral and polar, at codon 1242 of the DOCK6 protein (p.Gly1242Ser). This variant is present in population databases (rs200042437, gnomAD 0.1%), and has an allele count higher than expected for a pathogenic variant. This variant has not been reported in the literature in individuals affected with DOCK6-related conditions. ClinVar contains an entry for this variant (Variation ID: 1427315). Invitae Evidence Modeling of protein sequence and biophysical properties (such as structural, functional, and spatial information, amino acid conservation, physicochemical variation, residue mobility, and thermodynamic stability) indicates that this missense variant is not expected to disrupt DOCK6 protein function with a negative predictive value of 80%. In summary, the available evidence is currently insufficient to determine the role of this variant in disease. Therefore, it has been classified as a Variant of Uncertain Significance.

Ambry Genetics
Classification: Likely benign for Inborn genetic diseases. Last evaluated: 2024-04-05. Review status: criteria provided, single submitter. Criteria: Ambry Variant Classification Scheme 2023. Collection method: clinical testing. Allele origin: germline.

NM_020812.4(DOCK6):c.3724G>A (p.Gly1242Ser)

Genes: DOCK6 (dedicator of cytokinesis 6; minus strand), DOCK6-AS1 (DOCK6 antisense RNA 1; plus strand). Cytogenetic location: 19p13.2.
Variant type: single nucleotide variant.
Coding change: c.3724G>A on transcript NM_020812.4 (MANE Select); coding-DNA position 3724, G replaced by A.
Protein change: p.Gly1242Ser; replaces glycine 1242 with serine.
Molecular consequence: missense variant.
Genome position (GRCh38, 1-based): chr19:11,217,084, C>T on the plus strand (G>A on the coding strand, the complement: DOCK6 is on the minus strand). VCF-style: chr19-11217084-C-T. GRCh37 (hg19) VCF-style: chr19-11327760-C-T.
Other names: c.3829G>A, p.Gly1277Ser (NM_001367830.1); c.3724G>A (NM_020812.2); short protein forms G1277S, G1242S.
Identifiers: ClinVar variation 1427315 (VCV001427315.7), dbSNP rs200042437, ClinGen allele CA9207141.
Genomic context (GRCh38, chr19:11,217,084, plus strand): 5'-TCAGCACCCACAGCACACACGCCAGCAAGGTCCGGCTTGACTCAGCAGAGAGGGCACAGC[C>T]TGCGCGAGAAGCCTGGGGCCAGAGAGGAATCAAAGTCAATTTCCATTTTCTCCATGTGAG-3'
Protein context (NP_065863.2, residues 1232-1252): SQGPPTASRA[Gly1242Ser]CALSAESSRT